The following is an entry in ClinVar:

ClinVar aggregate classification (germline): Benign/Likely benign. Review status: criteria provided, multiple submitters, no conflicts (2 of 4 stars). 2 submissions from 2 submitters: Benign (1); Likely benign (1). Last evaluated 2026-07-13.

Conditions:
Rhabdoid tumor predisposition syndrome 2 (RTPS2). Identifiers: Orphanet 231108, Orphanet 69077, MedGen C2750074, MONDO:0013224, OMIM 613325.

Allele frequency attached by ClinVar (database versions not stated): ExAC 0.00003; gnomAD 0.00003 and 0.00004; ESP Exome Variant Server 0.00015.
gnomAD v4.1: 45 of 1,613,730 alleles (0.0028%); highest among the groups gnomAD compares: East Asian, 0.0067%; no homozygotes.

Submissions (2):

Myriad Genetics, Inc.
Classification: Benign for Rhabdoid tumor predisposition syndrome 2. Last evaluated: 2026-07-13. Review status: criteria provided, single submitter. Criteria: Myriad Autosomal Dominant, Autosomal Recessive and X-Linked Classification Criteria (2023). Collection method: clinical testing. Allele origin: unknown.
Comment: This variant is considered benign. This variant is intronic and is not expected to impact mRNA splicing. This variant has been observed at a population frequency that is significantly greater than expected given the associated disease prevalence and penetrance.

Labcorp Genetics (formerly Invitae), Labcorp
Classification: Likely benign for Rhabdoid tumor predisposition syndrome 2. Last evaluated: 2026-01-18. Review status: criteria provided, single submitter. Criteria: Invitae Variant Classification Sherloc (09022015). Collection method: clinical testing. Allele origin: germline.

NM_003072.5(SMARCA4):c.2275-16G>A

Gene: SMARCA4 (SWI/SNF related BAF chromatin remodeling complex subunit ATPase 4; plus strand). Cytogenetic location: 19p13.2.
Variant type: single nucleotide variant.
Coding change: c.2275-16G>A on transcript NM_003072.5 (MANE Select); 16 bases into the intron before coding-DNA position 2275, G replaced by A.
Molecular consequence: intron variant.
Genome position (GRCh38, 1-based): chr19:11,012,933, G>A. VCF-style: chr19-11012933-G-A. GRCh37 (hg19) VCF-style: chr19-11123609-G-A.
Other names: c.2275-16G>A (NM_001128844.3, NM_001128849.3, NM_001128847.4 and 5 more transcripts).
Identifiers: ClinVar variation 1584937 (VCV001584937.9), dbSNP rs372868649, ClinGen allele CA9204068.